The following is an entry in ClinVar:

NM_006206.6(PDGFRA):c.1405G>A (p.Val469Ile)

Gene: PDGFRA (platelet derived growth factor receptor alpha; plus strand). Cytogenetic location: 4q12.
Variant type: single nucleotide variant.
Coding change: c.1405G>A on transcript NM_006206.6 (MANE Select); coding-DNA position 1405, G replaced by A.
Protein change: p.Val469Ile; replaces valine 469 with isoleucine.
Molecular consequence: missense variant.
Genome position (GRCh38, 1-based): chr4:54,273,577, G>A. VCF-style: chr4-54273577-G-A. GRCh37 (hg19) VCF-style: chr4-55139744-G-A.
Other names: c.1405G>A, p.Val469Ile (NM_001347827.2, NM_001347829.2); c.1480G>A, p.Val494Ile (NM_001347828.2); c.1444G>A, p.Val482Ile (NM_001347830.2); short protein forms V469I, V482I, V494I.
Identifiers: ClinVar variation 407396 (VCV000407396.11), dbSNP rs1060501506, ClinGen allele CA16611459.

ClinVar aggregate classification (germline): Conflicting classifications of pathogenicity. Review status: criteria provided, conflicting classifications (1 of 4 stars). 2 submissions from 2 submitters: Uncertain significance (1); Likely benign (1). Last evaluated 2024-12-17.

Conditions:
Gastrointestinal stromal tumor. Also called: Gastrointestinal stromal tumor, somatic; Gastrointestinal stroma tumor. Identifiers: Orphanet 44890, MedGen C0238198, MeSH D046152, MONDO:0011719, OMIM 606764, HP:0100723.
Hereditary cancer-predisposing syndrome. Also called: Neoplastic Syndromes, Hereditary; Hereditary Cancer Syndrome; Hereditary neoplastic syndrome; Tumor predisposition. Identifiers: Orphanet 140162, MedGen C0027672, MeSH D009386, MONDO:0015356.

Submissions (2):

Labcorp Genetics (formerly Invitae), Labcorp
Classification: Uncertain significance for Gastrointestinal stromal tumor. Last evaluated: 2024-12-17. Review status: criteria provided, single submitter. Criteria: Invitae Variant Classification Sherloc (09022015). Collection method: clinical testing. Allele origin: germline.
Comment: This sequence change replaces valine, which is neutral and non-polar, with isoleucine, which is neutral and non-polar, at codon 469 of the PDGFRA protein (p.Val469Ile). This variant is not present in population databases (gnomAD no frequency). This variant has not been reported in the literature in individuals affected with PDGFRA-related conditions. ClinVar contains an entry for this variant (Variation ID: 407396). An algorithm developed to predict the effect of missense changes on protein structure and function (PolyPhen-2) suggests that this variant is likely to be tolerated. In summary, the available evidence is currently insufficient to determine the role of this variant in disease. Therefore, it has been classified as a Variant of Uncertain Significance.

Ambry Genetics
Classification: Likely benign for Hereditary cancer-predisposing syndrome. Last evaluated: 2021-10-01. Review status: criteria provided, single submitter. Criteria: Ambry Variant Classification Scheme 2023. Collection method: clinical testing. Allele origin: germline.